The following is an entry in ClinVar:

NM_182961.4(SYNE1):c.14990G>A (p.Arg4997Lys)

Gene: SYNE1 (spectrin repeat containing nuclear envelope protein 1; minus strand). Cytogenetic location: 6q25.2.
Variant type: single nucleotide variant.
Coding change: c.14990G>A on transcript NM_182961.4 (MANE Select); coding-DNA position 14990, G replaced by A.
Protein change: p.Arg4997Lys; replaces arginine 4997 with lysine.
Molecular consequence: missense variant.
Genome position (GRCh38, 1-based): chr6:152,326,599, C>T on the plus strand (G>A on the coding strand, the complement: SYNE1 is on the minus strand). VCF-style: chr6-152326599-C-T. GRCh37 (hg19) VCF-style: chr6-152647734-C-T.
Other names: c.14777G>A, p.Arg4926Lys (NM_033071.5); short protein forms R4926K, R4997K.
Identifiers: ClinVar variation 1419693 (VCV001419693.6), dbSNP rs755654863, ClinGen allele CA4055892.

ClinVar aggregate classification (germline): Uncertain significance (1 of 4 stars; one submission).

Conditions:
Emery-Dreifuss muscular dystrophy 4, autosomal dominant (EDMD4). Also called: EMERY-DREIFUSS MUSCULAR DYSTROPHY 4 WITH VARIABLE FEATURES. Identifiers: Orphanet 261, MedGen C2751807, MONDO:0013071, OMIM 612998.
Autosomal recessive ataxia, Beauce type. Also called: Spinocerebellar ataxia, autosomal recessive 8; ATAXIA, RECESSIVE, OF BEAUCE; SYNE1 Deficiency; SYNE1-Related Autosomal Recessive Cerebellar Ataxia. Identifiers: Orphanet 88644, MedGen C1853116, MONDO:0012549, OMIM 610743.

Allele frequency attached by ClinVar (database versions not stated): gnomAD exomes below 0.00001 and 0.00001; ExAC 0.00002; gnomAD 0.00003; TOPMed 0.00003.
gnomAD v4.1: 11 of 1,614,020 alleles (0.00068%); highest among the groups gnomAD compares: African/African-American, 0.004%; no homozygotes.

Submission:

Labcorp Genetics (formerly Invitae), Labcorp
Classification: Uncertain significance for Emery-Dreifuss muscular dystrophy 4, autosomal dominant; Autosomal recessive ataxia, Beauce type. Last evaluated: 2022-08-16. Review status: criteria provided, single submitter. Criteria: Invitae Variant Classification Sherloc (09022015). Collection method: clinical testing. Allele origin: germline.
Comment: In summary, the available evidence is currently insufficient to determine the role of this variant in disease. Therefore, it has been classified as a Variant of Uncertain Significance. Algorithms developed to predict the effect of missense changes on protein structure and function output the following: SIFT: "Tolerated"; PolyPhen-2: "Benign"; Align-GVGD: "Class C0". The lysine amino acid residue is found in multiple mammalian species, which suggests that this missense change does not adversely affect protein function. ClinVar contains an entry for this variant (Variation ID: 1419693). This variant has not been reported in the literature in individuals affected with SYNE1-related conditions. This variant is present in population databases (rs755654863, gnomAD 0.007%). This sequence change replaces arginine, which is basic and polar, with lysine, which is basic and polar, at codon 4926 of the SYNE1 protein (p.Arg4926Lys).